The following is an entry in ClinVar:

ClinVar aggregate classification (germline): Uncertain significance (1 of 4 stars; one submission).

Conditions:
Cardiovascular phenotype. Identifiers: MedGen CN230736.

Submission:

Ambry Genetics
Classification: Uncertain significance for Cardiovascular phenotype. Last evaluated: 2026-03-09. Review status: criteria provided, single submitter. Criteria: Ambry Variant Classification Scheme 2023. Collection method: clinical testing. Allele origin: germline.
Comment: The p.L323P variant (also known as c.968T>C), located in coding exon 19 of the COL1A2 gene, results from a T to C substitution at nucleotide position 968. The leucine at codon 323 is replaced by proline, an amino acid with similar properties. This amino acid position is conserved. In addition, the in silico prediction for this alteration is inconclusive. Based on the available evidence, the clinical significance of this variant remains unclear.

NM_000089.4(COL1A2):c.968T>C (p.Leu323Pro)

Gene: COL1A2 (collagen type I alpha 2 chain; plus strand). Cytogenetic location: 7q21.3.
Variant type: single nucleotide variant.
Coding change: c.968T>C on transcript NM_000089.4 (MANE Select); coding-DNA position 968, T replaced by C.
Protein change: p.Leu323Pro; replaces leucine 323 with proline.
Molecular consequence: missense variant.
Genome position (GRCh38, 1-based): chr7:94,409,754, T>C. VCF-style: chr7-94409754-T-C. GRCh37 (hg19) VCF-style: chr7-94039066-T-C.
Other names: short protein forms L323P.
Identifiers: ClinVar variation 4827074 (VCV004827074.1).